The following is an entry in ClinVar:

NM_022089.4(ATP13A2):c.2557C>G (p.Arg853Gly)

Gene: ATP13A2 (ATPase cation transporting 13A2; minus strand). Cytogenetic location: 1p36.13.
Variant type: single nucleotide variant.
Coding change: c.2557C>G on transcript NM_022089.4 (MANE Select); coding-DNA position 2557, C replaced by G.
Protein change: p.Arg853Gly; replaces arginine 853 with glycine.
Molecular consequence: missense variant.
Genome position (GRCh38, 1-based): chr1:16,989,743, G>C on the plus strand (C>G on the coding strand, the complement: ATP13A2 is on the minus strand). VCF-style: chr1-16989743-G-C. GRCh37 (hg19) VCF-style: chr1-17316238-G-C.
Other names: c.2542C>G, p.Arg848Gly (NM_001141973.3); c.2425C>G, p.Arg809Gly (NM_001141974.3); short protein forms R853G, R848G, R809G.
Identifiers: ClinVar variation 576357 (VCV000576357.6), dbSNP rs772243999, ClinGen allele CA338239660.

ClinVar aggregate classification (germline): Uncertain significance (1 of 4 stars; one submission).

Conditions:
Kufor-Rakeb syndrome (KRS). Also called: PARKINSON DISEASE 9, AUTOSOMAL RECESSIVE, JUVENILE-ONSET. Identifiers: Orphanet 306674, Orphanet 314632, MedGen C1847640, MONDO:0011706, OMIM 606693.
Autosomal recessive spastic paraplegia type 78. Identifiers: Orphanet 513436, MedGen C5567893, MONDO:0014975, OMIM 617225.

gnomAD v4.1: 3 of 1,614,062 alleles (0.00019%); highest among the groups gnomAD compares: Non-Finnish European, 0.00025%; no homozygotes.

Submission:

Labcorp Genetics (formerly Invitae), Labcorp
Classification: Uncertain significance for Kufor-Rakeb syndrome; Autosomal recessive spastic paraplegia type 78. Last evaluated: 2022-10-25. Review status: criteria provided, single submitter. Criteria: Invitae Variant Classification Sherloc (09022015). Collection method: clinical testing. Allele origin: germline.
Comment: This variant has not been reported in the literature in individuals affected with ATP13A2-related conditions. In summary, the available evidence is currently insufficient to determine the role of this variant in disease. Therefore, it has been classified as a Variant of Uncertain Significance. Advanced modeling of protein sequence and biophysical properties (such as structural, functional, and spatial information, amino acid conservation, physicochemical variation, residue mobility, and thermodynamic stability) performed at Invitae indicates that this missense variant is expected to disrupt ATP13A2 protein function. ClinVar contains an entry for this variant (Variation ID: 576357). This variant is not present in population databases (gnomAD no frequency). This sequence change replaces arginine, which is basic and polar, with glycine, which is neutral and non-polar, at codon 853 of the ATP13A2 protein (p.Arg853Gly).